The following is an entry in ClinVar:

NM_001267550.2(TTN):c.51682G>A (p.Ala17228Thr)

Genes: TTN (titin; minus strand), TTN-AS1 (TTN antisense RNA 1; plus strand). Cytogenetic location: 2q31.2.
Variant type: single nucleotide variant.
Coding change: c.51682G>A on transcript NM_001267550.2 (MANE Select); coding-DNA position 51682, G replaced by A.
Protein change: p.Ala17228Thr; replaces alanine 17228 with threonine.
Molecular consequence: missense variant.
Genome position (GRCh38, 1-based): chr2:178,609,741, C>T on the plus strand (G>A on the coding strand, the complement: TTN is on the minus strand). VCF-style: chr2-178609741-C-T. GRCh37 (hg19) VCF-style: chr2-179474468-C-T.
Other names: p.Ala15587Thr; c.46759G>A, p.Ala15587Thr (NM_001256850.1); c.24487G>A, p.Ala8163Thr (NM_003319.4); c.43978G>A, p.Ala14660Thr (NM_133378.4); c.24862G>A, p.Ala8288Thr (NM_133432.3); c.25063G>A, p.Ala8355Thr (NM_133437.4); short protein forms A8288T, A15587T, A8163T, A14660T, A17228T, A8355T.
Identifiers: ClinVar variation 1791414 (VCV001791414.3), dbSNP rs369150143, ClinGen allele CA1994143.

ClinVar aggregate classification (germline): Uncertain significance. Review status: criteria provided, multiple submitters, no conflicts (2 of 4 stars). 2 submissions from 2 submitters: Uncertain significance (2). Last evaluated 2024-09-13.

Conditions:
Cardiovascular phenotype. Identifiers: MedGen CN230736.

Allele frequency attached by ClinVar (database versions not stated): gnomAD 0.00004; gnomAD exomes 0.00004; TOPMed 0.00004; ESP Exome Variant Server 0.00008; 1000 Genomes Project 0.00020; ExAC 0.00020; 1000 Genomes Project 30x 0.00031.
gnomAD v4.1: 73 of 1,612,140 alleles (0.0045%); highest among the groups gnomAD compares: Admixed American, 0.017%; no homozygotes.

Submissions (2):

Mayo Clinic Laboratories, Mayo Clinic
Classification: Uncertain significance. Last evaluated: 2024-09-13. Review status: criteria provided, single submitter. Criteria: ACMG Guidelines, 2015. Collection method: clinical testing. Allele origin: germline. Observed: 3 variant alleles.

Ambry Genetics
Classification: Uncertain significance for Cardiovascular phenotype. Last evaluated: 2019-04-19. Review status: criteria provided, single submitter. Criteria: Ambry Variant Classification Scheme 2023. Collection method: clinical testing. Allele origin: germline.
Comment: The p.A8163T variant (also known as c.24487G>A), located in coding exon 99 of the TTN gene, results from a G to A substitution at nucleotide position 24487. The alanine at codon 8163 is replaced by threonine, an amino acid with similar properties. This amino acid position is highly conserved in available vertebrate species. In addition, this alteration is predicted to be probably damaging and unknown by PolyPhen and SIFT in silico analyses, respectively. Since supporting evidence is limited at this time, the clinical significance of this alteration remains unclear.